The following is an entry in ClinVar:

NM_012140.5(SLC25A10):c.321C>T (p.Ser107=)

Gene: SLC25A10 (solute carrier family 25 member 10; plus strand). Cytogenetic location: 17q25.3.
Variant type: single nucleotide variant.
Coding change: c.321C>T on transcript NM_012140.5 (MANE Select); coding-DNA position 321, C replaced by T.
Protein change: p.Ser107=; no amino-acid change (serine 107 retained).
Molecular consequence: synonymous variant.
Genome position (GRCh38, 1-based): chr17:81,715,585, C>T. VCF-style: chr17-81715585-C-T. GRCh37 (hg19) VCF-style: chr17-79682615-C-T.
Other names: c.321C>T, p.Ser107= (NM_001270888.2, NM_001270953.2).
Identifiers: ClinVar variation 3239049 (VCV003239049.19), dbSNP rs144395868.

ClinVar aggregate classification (germline): Likely benign (1 of 4 stars; one submission).

Allele frequency attached by ClinVar (database versions not stated): ESP Exome Variant Server 0.00008; TOPMed 0.00013; gnomAD 0.00015.
gnomAD v4.1: 120 of 1,612,396 alleles (0.0074%); highest among the groups gnomAD compares: African/African-American, 0.017%; no homozygotes.

Submission:

CeGaT Center for Human Genetics Tuebingen
Classification: Likely benign. Last evaluated: 2024-05-01. Review status: criteria provided, single submitter. Criteria: CeGaT Center For Human Genetics Tuebingen Variant Classification Criteria Version 2. Collection method: clinical testing. Allele origin: germline. Affected: yes. Observed: 1 variant allele.
Comment: SLC25A10: BP4, BP7